The following is an entry in ClinVar:

ClinVar aggregate classification (germline): Uncertain significance (1 of 4 stars; one submission).

gnomAD v4.1: 1 of 1,532,636 alleles (0.000065%); no homozygotes.

Submission:

GeneDx
Classification: Uncertain significance. Last evaluated: 2023-01-25. Review status: criteria provided, single submitter. Criteria: GeneDx Variant Classification Process June 2021. Collection method: clinical testing. Allele origin: germline. Affected: yes.
Comment: Not observed at significant frequency in large population cohorts (gnomAD); In silico analysis supports that this missense variant does not alter protein structure/function; Has not been previously published as pathogenic or benign to our knowledge

NM_170606.3(KMT2C):c.149G>A (p.Arg50Lys)

Gene: KMT2C (lysine methyltransferase 2C; minus strand). Cytogenetic location: 7q36.1.
Variant type: single nucleotide variant.
Coding change: c.149G>A on transcript NM_170606.3 (MANE Select); coding-DNA position 149, G replaced by A.
Protein change: p.Arg50Lys; replaces arginine 50 with lysine.
Molecular consequence: missense variant.
Genome position (GRCh38, 1-based): chr7:152,435,638, C>T on the plus strand (G>A on the coding strand, the complement: KMT2C is on the minus strand). VCF-style: chr7-152435638-C-T. GRCh37 (hg19) VCF-style: chr7-152132723-C-T.
Other names: short protein forms R50K.
Identifiers: ClinVar variation 2574385 (VCV002574385.1), dbSNP rs913978315, ClinGen allele CA370104072.
Genomic context (GRCh38, chr7:152,435,638, plus strand): 5'-CCGGCGCCGCCGCTGGCTCCCGGCCTGGCTCCCTCGCACTCAACTTACTTCTTTCTGGCT[C>T]TCTGGAAAGGGGAAGCGCCATCTTTGCGAGGCCGGCCCCGAGGTCTTTTGTCTGCGGCTG-3'
Protein context (NP_733751.2, residues 40-60): PRKDGASPFQ[Arg50Lys]ARKKPRSRGK